The following is an entry in ClinVar:

NM_000260.4(MYO7A):c.2573G>T (p.Arg858Leu)

Gene: MYO7A (myosin VIIA; plus strand). Cytogenetic location: 11q13.5.
Variant type: single nucleotide variant.
Coding change: c.2573G>T on transcript NM_000260.4 (MANE Select); coding-DNA position 2573, G replaced by T.
Protein change: p.Arg858Leu; replaces arginine 858 with leucine.
Molecular consequence: missense variant.
Genome position (GRCh38, 1-based): chr11:77,179,940, G>T. VCF-style: chr11-77179940-G-T. GRCh37 (hg19) VCF-style: chr11-76890986-G-T.
Other names: c.2573G>T, p.Arg858Leu (NM_001127180.2); c.2540G>T, p.Arg847Leu (NM_001369365.1); short protein forms R847L, R858L.
Identifiers: ClinVar variation 1350022 (VCV001350022.6), dbSNP rs782428224, ClinGen allele CA6197862.

ClinVar aggregate classification (germline): Uncertain significance (1 of 4 stars; one submission).

Allele frequency attached by ClinVar (database versions not stated): ExAC 0.00027.
gnomAD v4.1: 22 of 1,526,890 alleles (0.0014%); highest among the groups gnomAD compares: Middle Eastern, 0.022%; no homozygotes.

Submission:

Labcorp Genetics (formerly Invitae), Labcorp
Classification: Uncertain significance. Last evaluated: 2024-12-04. Review status: criteria provided, single submitter. Criteria: Invitae Variant Classification Sherloc (09022015). Collection method: clinical testing. Allele origin: germline.
Comment: This sequence change replaces arginine, which is basic and polar, with leucine, which is neutral and non-polar, at codon 858 of the MYO7A protein (p.Arg858Leu). This variant is present in population databases (rs782428224, gnomAD 0.02%). This variant has not been reported in the literature in individuals affected with MYO7A-related conditions. ClinVar contains an entry for this variant (Variation ID: 1350022). Invitae Evidence Modeling of protein sequence and biophysical properties (such as structural, functional, and spatial information, amino acid conservation, physicochemical variation, residue mobility, and thermodynamic stability) indicates that this missense variant is not expected to disrupt MYO7A protein function with a negative predictive value of 95%. In summary, the available evidence is currently insufficient to determine the role of this variant in disease. Therefore, it has been classified as a Variant of Uncertain Significance.